The following is an entry in ClinVar:

NC_000023.11:g.(?_32287519)_(32849830_?)dup

Gene: DMD (dystrophin; minus strand). Cytogenetic location: Xp21.1.
Variant type: Duplication.
Identifiers: ClinVar variation 833379 (VCV000833379.3).

ClinVar aggregate classification (germline): Likely pathogenic (1 of 4 stars; one submission).

Conditions:
Duchenne muscular dystrophy (DMD). Also called: Duchenne Muscular Dystrophy (DMD); MUSCULAR DYSTROPHY, PSEUDOHYPERTROPHIC PROGRESSIVE, DUCHENNE TYPE. Identifiers: Orphanet 98896, MedGen C0013264, MONDO:0010679, OMIM 310200.

Submission:

Labcorp Genetics (formerly Invitae), Labcorp
Classification: Likely pathogenic for Duchenne muscular dystrophy. Last evaluated: 2019-02-19. Review status: criteria provided, single submitter. Criteria: Invitae Variant Classification Sherloc (09022015). Collection method: clinical testing. Allele origin: germline.
Comment: In summary, the currently available evidence indicates that the variant is pathogenic, but additional data are needed to prove that conclusively. Therefore, this variant has been classified as Likely Pathogenic. Loss-of-function variants in DMD are known to be pathogenic (PMID: 16770791, 25007885). This variant has been observed in an individual affected with Duchenne muscular dystrophy (PMID:¬†8034300). This variant results in a copy number gain of the genomic region encompassing exons 3-43 of the DMD gene. While the exact position of this variant cannot be determined from this data, sub-genic copy number gains are generally in tandem (PMID: 25640679) and may result in an absent or disrupted protein product.

Literature cited by the submitters: PubMed 16770791; PubMed 25007885; PubMed 25640679.